The following is an entry in ClinVar:

ClinVar aggregate classification (germline): Uncertain significance (1 of 4 stars; one submission).

Allele frequency attached by ClinVar (database versions not stated): gnomAD exomes below 0.00001.
gnomAD v4.1: 2 of 1,613,760 alleles (0.00012%); highest among the groups gnomAD compares: Non-Finnish European, 0.00017%; no homozygotes.

Submission:

Labcorp Genetics (formerly Invitae), Labcorp
Classification: Uncertain significance. Last evaluated: 2022-09-09. Review status: criteria provided, single submitter. Criteria: Invitae Variant Classification Sherloc (09022015). Collection method: clinical testing. Allele origin: germline.
Comment: In summary, the available evidence is currently insufficient to determine the role of this variant in disease. Therefore, it has been classified as a Variant of Uncertain Significance. Variants that disrupt the consensus splice site are a relatively common cause of aberrant splicing (PMID: 17576681, 9536098). This variant has not been reported in the literature in individuals affected with FCHO1-related conditions. This variant is present in population databases (no rsID available, gnomAD no frequency). This sequence change falls in intron 15 of the FCHO1 gene. It does not directly change the encoded amino acid sequence of the FCHO1 protein. It affects a nucleotide within the consensus splice site.

Literature cited by the submitters: PubMed 17576681; PubMed 9536098.

NM_015122.3(FCHO1):c.1003+1A>G

Gene: FCHO1 (FCH and mu domain containing endocytic adaptor 1; plus strand). Cytogenetic location: 19p13.11.
Variant type: single nucleotide variant.
Coding change: c.1003+1A>G on transcript NM_015122.3 (MANE Select); the canonical splice donor site of the intron after coding-DNA position 1003, A replaced by G.
Molecular consequence: splice donor variant.
Genome position (GRCh38, 1-based): chr19:17,775,514, A>G. VCF-style: chr19-17775514-A-G. GRCh37 (hg19) VCF-style: chr19-17886323-A-G.
Other names: c.1003+1A>G (NM_001384370.1, NM_001384396.1, NM_001384404.1 and 25 more transcripts); c.928+1A>G (NM_001384390.1); c.853+1A>G (NM_001384406.1, NM_001384407.1, NM_001384384.1 and 3 more transcripts); c.958+1A>G (NM_001384403.1); c.964+1A>G (NM_001384388.1, NM_001384405.1, NM_001384389.1).
Identifiers: ClinVar variation 2015378 (VCV002015378.4), dbSNP rs894464450, ClinGen allele CA306114649.